The following is an entry in ClinVar:

NM_000152.5(GAA):c.407A>G (p.Tyr136Cys)

Gene: GAA (alpha glucosidase; plus strand). Cytogenetic location: 17q25.3.
Variant type: single nucleotide variant.
Coding change: c.407A>G on transcript NM_000152.5 (MANE Select); coding-DNA position 407, A replaced by G.
Protein change: p.Tyr136Cys; replaces tyrosine 136 with cysteine.
Molecular consequence: missense variant.
Genome position (GRCh38, 1-based): chr17:80,104,993, A>G. VCF-style: chr17-80104993-A-G. GRCh37 (hg19) VCF-style: chr17-78078792-A-G.
Other names: c.407A>G, p.Tyr136Cys (NM_001079803.3, NM_001079804.3, NM_001406741.1 and 1 more transcripts); short protein forms Y136C.
Identifiers: ClinVar variation 1999720 (VCV001999720.4), dbSNP rs2510346640, ClinGen allele CA401361124.

ClinVar aggregate classification (germline): Uncertain significance (1 of 4 stars; one submission).

Conditions:
Glycogen storage disease, type II (IOPD). Also called: Glucosidase acid-1,4-alpha deficiency; Pompe Disease; POMPE DISEASE, INFANTILE-ONSET; GLYCOGEN STORAGE DISEASE II, INFANTILE-ONSET; ACID ALPHA-GLUCOSIDASE DEFICIENCY, INFANTILE-ONSET; GAA DEFICIENCY, INFANTILE-ONSET. Identifiers: Orphanet 365, MedGen C0017921, MONDO:0009290, OMIM 232300.

Allele frequency attached by ClinVar (database versions not stated): gnomAD exomes below 0.00001.
gnomAD v4.1: 1 of 1,612,936 alleles (0.000062%); highest among the groups gnomAD compares: Non-Finnish European, 0.000085%; no homozygotes.

Submission:

Labcorp Genetics (formerly Invitae), Labcorp
Classification: Uncertain significance for Glycogen storage disease, type II. Last evaluated: 2022-07-14. Review status: criteria provided, single submitter. Criteria: Invitae Variant Classification Sherloc (09022015). Collection method: clinical testing. Allele origin: germline.
Comment: In summary, the available evidence is currently insufficient to determine the role of this variant in disease. Therefore, it has been classified as a Variant of Uncertain Significance. Advanced modeling of protein sequence and biophysical properties (such as structural, functional, and spatial information, amino acid conservation, physicochemical variation, residue mobility, and thermodynamic stability) performed at Invitae indicates that this missense variant is expected to disrupt GAA protein function. This missense change has been observed in individual(s) with a positive newborn screening result for GAA-related disease (Invitae). This variant is not present in population databases (gnomAD no frequency). This sequence change replaces tyrosine, which is neutral and polar, with cysteine, which is neutral and slightly polar, at codon 136 of the GAA protein (p.Tyr136Cys).